The following is an entry in ClinVar:

NM_001244008.2(KIF1A):c.5129G>C (p.Ser1710Thr)

Gene: KIF1A (kinesin family member 1A; minus strand). Cytogenetic location: 2q37.3.
Variant type: single nucleotide variant.
Coding change: c.5129G>C on transcript NM_001244008.2 (MANE Select); coding-DNA position 5129, G replaced by C.
Protein change: p.Ser1710Thr; replaces serine 1710 with threonine.
Molecular consequence: missense variant.
Genome position (GRCh38, 1-based): chr2:240,719,091, C>G on the plus strand (G>C on the coding strand, the complement: KIF1A is on the minus strand). VCF-style: chr2-240719091-C-G. GRCh37 (hg19) VCF-style: chr2-241658508-C-G.
Other names: c.4853G>C, p.Ser1618Thr (NM_001320705.2, NM_001379649.1); c.4880G>C, p.Ser1627Thr (NM_001330289.2); c.4928G>C, p.Ser1643Thr (NM_001330290.2, NM_001379648.1); c.5204G>C, p.Ser1735Thr (NM_001379631.1); c.5105G>C, p.Ser1702Thr (NM_001379632.1); c.5102G>C, p.Ser1701Thr (NM_001379633.1, NM_001379645.1); c.4955G>C, p.Ser1652Thr (NM_001379634.1); c.4952G>C, p.Ser1651Thr (NM_001379635.1, NM_001379646.1); and 8 more; short protein forms S1626T, S1643T, S1701T, S1710T, S1608T, S1609T, S1618T, S1634T.
Identifiers: ClinVar variation 1743388 (VCV001743388.5), dbSNP rs777880479, ClinGen allele CA351298247.
Genomic context (GRCh38, chr2:240,719,091, plus strand): 5'-CTGTACTCCACCTGGGCAGTGGCCAGGTTGAGCACGAACCGCTCCACGGTGTCCTTGTCG[C>G]TGTTGTACATGTAGGCATAGGGGCGCCGCACCACCACGAAGCGCCTGGCCCAGCCTGACG-3'
Protein context (NP_001230937.1, residues 1700-1720): VRRPYAYMYN[Ser1710Thr]DKDTVERFVL

ClinVar aggregate classification (germline): Conflicting classifications of pathogenicity. Review status: criteria provided, conflicting classifications (1 of 4 stars). 3 submissions from 3 submitters: Uncertain significance (2); Likely benign (1). Last evaluated 2025-07-30.

Conditions:
Inborn genetic diseases. Identifiers: MedGen C0950123, MeSH D030342.
Hereditary spastic paraplegia 30. Identifiers: Orphanet 101010, MedGen C5235139, MONDO:0012476.
Neuropathy, hereditary sensory, type 2C. Also called: Hereditary sensory and autonomic neuropathy type IIC; KIF1A-Related HSAN2 (HSAN2C). Identifiers: Orphanet 970, MedGen C3280168, MONDO:0013634, OMIM 614213.
Intellectual disability, autosomal dominant 9 (NESCAVS). Also called: NESCAV SYNDROME; KIF1A-Related Neurodevelopmental Disorder. Identifiers: Orphanet 662367, MedGen C5393830, MONDO:0013656, OMIM 614255.

Allele frequency attached by ClinVar (database versions not stated): gnomAD 0.00001.

Submissions (3):

Labcorp Genetics (formerly Invitae), Labcorp
Classification: Likely benign for Hereditary spastic paraplegia 30; Neuropathy, hereditary sensory, type 2C; Intellectual disability, autosomal dominant 9. Last evaluated: 2025-07-30. Review status: criteria provided, single submitter. Criteria: Invitae Variant Classification Sherloc (09022015). Collection method: clinical testing. Allele origin: germline.

GeneDx
Classification: Uncertain significance. Last evaluated: 2024-08-18. Review status: criteria provided, single submitter. Criteria: GeneDx Variant Classification Process June 2021. Collection method: clinical testing. Allele origin: germline. Affected: yes.
Comment: In silico analysis indicates that this missense variant does not alter protein structure/function; Has not been previously published as pathogenic or benign to our knowledge; This variant is associated with the following publications: (PMID: 21376300, 21820098, 26125038)

Ambry Genetics
Classification: Uncertain significance for Inborn genetic diseases. Last evaluated: 2017-12-04. Review status: criteria provided, single submitter. Criteria: Ambry Variant Classification Scheme 2023. Collection method: clinical testing. Allele origin: germline.
Comment: The p.S1609T variant (also known as c.4826G>C), located in coding exon 44 of the KIF1A gene, results from a G to C substitution at nucleotide position 4826. The serine at codon 1609 is replaced by threonine, an amino acid with similar properties. This amino acid position is not well conserved in available vertebrate species. In addition, this alteration is predicted to be tolerated by in silico analysis. Since supporting evidence is limited at this time, the clinical significance of this alteration remains unclear.